The following is an entry in ClinVar:

NM_002435.3(MPI):c.764_776del (p.Tyr255fs)

Gene: MPI (mannose phosphate isomerase; plus strand). Cytogenetic location: 15q24.1.
Variant type: Deletion.
Coding change: c.764_776del on transcript NM_002435.3 (MANE Select); coding-DNA positions 764 to 776, 13 bases deleted (ACTTCCTGAACCT).
Protein change: p.Tyr255fs; shifts the reading frame from tyrosine 255.
Molecular consequence: frameshift variant.
Genome position (GRCh38, 1-based): chr15:74,896,245-74,896,257, ACTTCCTGAACCT deleted; deleting any 13 consecutive bases within chr15:74,896,243-74,896,257 gives the same sequence; the c. name uses the placement nearest the transcript's 3' end. VCF-style (leftmost placement, unchanged base first): chr15-74896242-TCTACTTCCTGAAC-T. GRCh37 (hg19) VCF-style: chr15-75188583-TCTACTTCCTGAAC-T.
Other names: c.764_776del, p.Tyr255fs (NM_001289155.2); c.614_626del, p.Tyr205fs (NM_001289156.2); c.581_593del, p.Tyr194fs (NM_001289157.2); c.704_716del, p.Tyr235fs (NM_001330372.2); short protein forms Y194fs, Y235fs, Y255fs, Y205fs.
Identifiers: ClinVar variation 2056193 (VCV002056193.4), dbSNP rs2505825546, ClinGen allele CA2580089997.

ClinVar aggregate classification (germline): Pathogenic (1 of 4 stars; one submission).

Conditions:
MPI-congenital disorder of glycosylation. Also called: MANNOSEPHOSPHATE ISOMERASE DEFICIENCY; MPI DEFICIENCY; CONGENITAL DISORDER OF GLYCOSYLATION, TYPE Ib; PROTEIN-LOSING ENTEROPATHY-HEPATIC FIBROSIS SYNDROME; CDG Ib; MPI-CDG. Identifiers: Orphanet 79319, MedGen C1865145, MONDO:0011257, OMIM 602579.

Submission:

Labcorp Genetics (formerly Invitae), Labcorp
Classification: Pathogenic for MPI-congenital disorder of glycosylation. Last evaluated: 2022-01-01. Review status: criteria provided, single submitter. Criteria: Invitae Variant Classification Sherloc (09022015). Collection method: clinical testing. Allele origin: germline.
Comment: This variant has not been reported in the literature in individuals affected with MPI-related conditions. This sequence change creates a premature translational stop signal (p.Tyr255Cysfs*4) in the MPI gene. It is expected to result in an absent or disrupted protein product. Loss-of-function variants in MPI are known to be pathogenic (PMID: 19862844). This variant is not present in population databases (gnomAD no frequency). For these reasons, this variant has been classified as Pathogenic.

Literature cited by the submitters: PubMed 19862844.